The following is an entry in ClinVar:

NM_000051.4(ATM):c.2434A>G (p.Met812Val)

Gene: ATM (ATM serine/threonine kinase; plus strand). Cytogenetic location: 11q22.3.
Variant type: single nucleotide variant.
Coding change: c.2434A>G on transcript NM_000051.4 (MANE Select); coding-DNA position 2434, A replaced by G.
Protein change: p.Met812Val; replaces methionine 812 with valine.
Molecular consequence: missense variant.
Genome position (GRCh38, 1-based): chr11:108,259,043, A>G. VCF-style: chr11-108259043-A-G. GRCh37 (hg19) VCF-style: chr11-108129770-A-G.
Other names: c.2434A>G, p.Met812Val (NM_001351834.2); short protein forms M812V.
Identifiers: ClinVar variation 524391 (VCV000524391.20), dbSNP rs112357985, ClinGen allele CA228399932.
Genomic context (GRCh38, chr11:108,259,043, plus strand): 5'-CAGAAGAGTCCAAATAAGATTGCATCTGGCTTTTTCCTGCGATTGTTAACATCAAAGCTA[A>G]TGAATGACATTGCAGATATTTGTAAAAGTTTAGTAAGTATGCTTCCTGTTTTGCTATCAT-3'
Protein context (NP_000042.3, residues 802-822): FFLRLLTSKL[Met812Val]NDIADICKSL

ClinVar aggregate classification (germline): Conflicting classifications of pathogenicity. Review status: criteria provided, conflicting classifications (1 of 4 stars). 7 submissions from 7 submitters: Uncertain significance (6); Benign (1). Last evaluated 2025-03-11.

Conditions:
ATM-related disorder. Also called: ATM-related disorders; ATM-related condition.
Hereditary cancer-predisposing syndrome. Also called: Neoplastic Syndromes, Hereditary; Tumor predisposition; Hereditary Cancer Syndrome; Hereditary neoplastic syndrome. Identifiers: Orphanet 140162, MedGen C0027672, MeSH D009386, MONDO:0015356.
Ovarian cancer. Also called: OVARIAN CANCER, SOMATIC. Identifiers: Orphanet 213500, MedGen C1140680, MONDO:0008170, OMIM 167000.
Familial cancer of breast. Also called: hereditary breast carcinoma; BREAST CANCER, FAMILIAL; Hereditary breast cancer. Identifiers: Orphanet 227535, MedGen C0346153, MONDO:0016419, OMIM 114480. Disease mechanism: loss of function.
Ataxia-telangiectasia syndrome (AT). Also called: ATAXIA-TELANGIECTASIA, COMPLEMENTATION GROUP A; ATAXIA-TELANGIECTASIA, FRESNO VARIANT; Ataxia-telangiectasia; Ataxia-telangiectasia, complementation group D; AT, COMPLEMENTATION GROUP C; Ataxia-telangiectasia, complementation group E. Identifiers: Orphanet 100, MedGen C0004135, MONDO:0008840, OMIM 208900.

Allele frequency attached by ClinVar (database versions not stated): gnomAD exomes below 0.00001.
gnomAD v4.1: 2 of 1,613,770 alleles (0.00012%); highest among the groups gnomAD compares: East Asian, 0.0045%; no homozygotes.

Submissions (7):

Ambry Genetics
Classification: Uncertain significance for Hereditary cancer-predisposing syndrome. Last evaluated: 2025-03-11. Review status: criteria provided, single submitter. Criteria: Ambry Variant Classification Scheme 2023. Collection method: clinical testing. Allele origin: germline.
Comment: The p.M812V variant (also known as c.2434A>G), located in coding exon 15 of the ATM gene, results from an A to G substitution at nucleotide position 2434. The methionine at codon 812 is replaced by valine, an amino acid with highly similar properties. This amino acid position is not well conserved in available vertebrate species, and valine is the reference amino acid in other vertebrate species. In addition, this alteration is predicted to be tolerated by in silico analysis. Based on the available evidence, the clinical significance of this variant remains unclear.

Labcorp Genetics (formerly Invitae), Labcorp
Classification: Uncertain significance for Ataxia-telangiectasia syndrome. Last evaluated: 2024-07-16. Review status: criteria provided, single submitter. Criteria: Invitae Variant Classification Sherloc (09022015). Collection method: clinical testing. Allele origin: germline.
Comment: This sequence change replaces methionine, which is neutral and non-polar, with valine, which is neutral and non-polar, at codon 812 of the ATM protein (p.Met812Val). This variant is present in population databases (rs112357985, gnomAD 0.006%). This variant has not been reported in the literature in individuals affected with ATM-related conditions. ClinVar contains an entry for this variant (Variation ID: 524391). An algorithm developed to predict the effect of missense changes on protein structure and function outputs the following: PolyPhen-2: "Benign". The valine amino acid residue is found in multiple mammalian species, which suggests that this missense change does not adversely affect protein function. In summary, the available evidence is currently insufficient to determine the role of this variant in disease. Therefore, it has been classified as a Variant of Uncertain Significance.

PreventionGenetics, part of Exact Sciences
Classification: Uncertain significance for ATM-related condition. Last evaluated: 2023-07-11. Review status: criteria provided, single submitter. Criteria: ACMG Guidelines, 2015. Collection method: clinical testing. Allele origin: germline.
Comment: The ATM c.2434A>G variant is predicted to result in the amino acid substitution p.Met812Val. To our knowledge, this variant has not been reported in the literature. This variant is reported in 0.0054% of alleles in individuals of East Asian descent in gnomAD. In ClinVar, this variant has conflicting interpretations ranging from benign to uncertain. At this time, the clinical significance of this variant is uncertain due to the absence of conclusive functional and genetic evidence.

Color Diagnostics, LLC DBA Color Health
Classification: Uncertain significance for Hereditary cancer-predisposing syndrome. Last evaluated: 2023-02-16. Review status: criteria provided, single submitter. Criteria: ACMG Guidelines, 2015. Collection method: clinical testing. Allele origin: germline.
Comment: This missense variant replaces methionine with valine at codon 812 of the ATM protein. Computational prediction suggests that this variant may not impact protein structure and function (internally defined REVEL score threshold <= 0.5, PMID: 27666373). To our knowledge, functional studies have not been reported for this variant. This variant has not been reported in individuals affected with ATM-related disorders in the literature. This variant has been identified in 1/251172 chromosomes in the general population by the Genome Aggregation Database (gnomAD). The available evidence is insufficient to determine the role of this variant in disease conclusively. Therefore, this variant is classified as a Variant of Uncertain Significance.

GeneDx
Classification: Uncertain significance. Last evaluated: 2023-01-23. Review status: criteria provided, single submitter. Criteria: GeneDx Variant Classification Process June 2021. Collection method: clinical testing. Allele origin: germline. Affected: yes.
Comment: Not observed at significant frequency in large population cohorts (gnomAD); In silico analysis supports that this missense variant does not alter protein structure/function; Has not been previously published as pathogenic or benign to our knowledge

Laboratory of Molecular Epidemiology of Birth Defects, West China Second University Hospital, Sichuan University
Classification: Benign for Ovarian cancer. Last evaluated: 2022-01-01. Review status: criteria provided, single submitter. Criteria: ACMG Guidelines, 2015. Collection method: clinical testing. Allele origin: germline. Affected: yes.

Department of Pathology and Laboratory Medicine, Sinai Health System
Classification: Uncertain significance for Familial cancer of breast. Last evaluated: 2021-07-05. Review status: criteria provided, single submitter. Criteria: ACMG Guidelines, 2015. Collection method: clinical testing. Allele origin: germline. Affected: yes.